The following is an entry in ClinVar:

ClinVar aggregate classification (germline): Uncertain significance (1 of 4 stars; one submission).

Submission:

Labcorp Genetics (formerly Invitae), Labcorp
Classification: Uncertain significance. Last evaluated: 2025-05-05. Review status: criteria provided, single submitter. Criteria: Invitae Variant Classification Sherloc (09022015). Collection method: clinical testing. Allele origin: germline.
Comment: This sequence change replaces isoleucine, which is neutral and non-polar, with asparagine, which is neutral and polar, at codon 571 of the ABCA4 protein (p.Ile571Asn). This variant is not present in population databases (gnomAD no frequency). This variant has not been reported in the literature in individuals affected with ABCA4-related conditions. ClinVar contains an entry for this variant (Variation ID: 2013124). Invitae Evidence Modeling of protein sequence and biophysical properties (such as structural, functional, and spatial information, amino acid conservation, physicochemical variation, residue mobility, and thermodynamic stability) indicates that this missense variant is expected to disrupt ABCA4 protein function with a positive predictive value of 95%. In summary, the available evidence is currently insufficient to determine the role of this variant in disease. Therefore, it has been classified as a Variant of Uncertain Significance.

NM_000350.3(ABCA4):c.1712T>A (p.Ile571Asn)

Gene: ABCA4 (ATP binding cassette subfamily A member 4; minus strand). Cytogenetic location: 1p22.1.
Variant type: single nucleotide variant.
Coding change: c.1712T>A on transcript NM_000350.3 (MANE Select); coding-DNA position 1712, T replaced by A.
Protein change: p.Ile571Asn; replaces isoleucine 571 with asparagine.
Molecular consequence: missense variant.
Genome position (GRCh38, 1-based): chr1:94,063,160, A>T on the plus strand (T>A on the coding strand, the complement: ABCA4 is on the minus strand). VCF-style: chr1-94063160-A-T. GRCh37 (hg19) VCF-style: chr1-94528716-A-T.
Other names: c.1712T>A, p.Ile571Asn (NM_001425324.1); short protein forms I571N.
Identifiers: ClinVar variation 2013124 (VCV002013124.4), dbSNP rs529824865, ClinGen allele CA341280065.